The following is an entry in ClinVar:

NM_007294.4(BRCA1):c.2020C>A (p.Pro674Thr)

Gene: BRCA1 (BRCA1 DNA repair associated; minus strand). Cytogenetic location: 17q21.31.
Variant type: single nucleotide variant.
Coding change: c.2020C>A on transcript NM_007294.4 (MANE Select); coding-DNA position 2020, C replaced by A.
Protein change: p.Pro674Thr; replaces proline 674 with threonine.
Molecular consequence: missense variant. On other transcripts: intron variant (137).
Genome position (GRCh38, 1-based): chr17:43,093,511, G>T on the plus strand (C>A on the coding strand, the complement: BRCA1 is on the minus strand). VCF-style: chr17-43093511-G-T. GRCh37 (hg19) VCF-style: chr17-41245528-G-T.
Other names: c.1807C>A, p.Pro603Thr (NM_001407571.1, NM_001407853.1, NM_001407894.1 and 9 more transcripts); c.2020C>A, p.Pro674Thr (NM_001407581.1, NM_001407582.1, NM_001407583.1 and 30 more transcripts); c.2017C>A, p.Pro673Thr (NM_001407587.1, NM_001407590.1, NM_001407591.1 and 22 more transcripts); c.2011C>A, p.Pro671Thr (NM_001407646.1, NM_001407647.1); c.1897C>A, p.Pro633Thr (NM_001407648.1, NM_001407664.1, NM_001407665.1 and 19 more transcripts); c.1894C>A, p.Pro632Thr (NM_001407649.1, NM_001407670.1, NM_001407671.1 and 11 more transcripts); c.1942C>A, p.Pro648Thr (NM_001407653.1, NM_001407654.1, NM_001407655.1 and 4 more transcripts); c.1939C>A, p.Pro647Thr (NM_001407659.1, NM_001407660.1, NM_001407661.1 and 1 more transcripts); and 40 more; short protein forms P378T, P563T, P586T, P606T, P627T, P647T, P674T, P506T.
Identifiers: ClinVar variation 1784548 (VCV001784548.9), dbSNP rs1567797243, ClinGen allele CA10597970.

ClinVar aggregate classification (germline): Conflicting classifications of pathogenicity. Review status: criteria provided, conflicting classifications (1 of 4 stars). 3 submissions from 3 submitters: Uncertain significance (2); Likely benign (1). Last evaluated 2023-11-28.

Conditions:
Hereditary cancer-predisposing syndrome. Also called: Neoplastic Syndromes, Hereditary; Tumor predisposition; Hereditary Cancer Syndrome; Hereditary neoplastic syndrome. Identifiers: Orphanet 140162, MedGen C0027672, MeSH D009386, MONDO:0015356.
Hereditary breast ovarian cancer syndrome. Also called: Hereditary breast and ovarian cancer; Hereditary breast and ovarian cancer syndrome (HBOC); Hereditary breast and ovarian cancer syndrome; Breast and ovarian cancer; Hereditary breast and/or ovarian cancer syndrome; BRCA1- and BRCA2-Associated Hereditary Breast and Ovarian Cancer. Identifiers: Orphanet 145, MedGen C0677776, MeSH D061325, MONDO:0003582. Disease mechanism: loss of function.

Submissions (3):

Labcorp Genetics (formerly Invitae), Labcorp
Classification: Uncertain significance for Hereditary breast ovarian cancer syndrome. Last evaluated: 2023-11-28. Review status: criteria provided, single submitter. Criteria: Invitae Variant Classification Sherloc (09022015). Collection method: clinical testing. Allele origin: germline.
Comment: This sequence change replaces proline, which is neutral and non-polar, with threonine, which is neutral and polar, at codon 674 of the BRCA1 protein (p.Pro674Thr). This variant is not present in population databases (gnomAD no frequency). This variant has not been reported in the literature in individuals affected with BRCA1-related conditions. ClinVar contains an entry for this variant (Variation ID: 1784548). Advanced modeling of protein sequence and biophysical properties (such as structural, functional, and spatial information, amino acid conservation, physicochemical variation, residue mobility, and thermodynamic stability) performed at Invitae indicates that this missense variant is not expected to disrupt BRCA1 protein function with a negative predictive value of 95%. In summary, the available evidence is currently insufficient to determine the role of this variant in disease. Therefore, it has been classified as a Variant of Uncertain Significance.

University of Washington Department of Laboratory Medicine, University of Washington
Classification: Likely benign for Hereditary cancer-predisposing syndrome. Last evaluated: 2023-03-23. Review status: criteria provided, single submitter. Criteria: Dines et al. (Genet Med. 2020). Collection method: curation. Allele origin: germline.
Comment: Missense variant in a coldspot region where missense variants are very unlikely to be pathogenic (PMID:31911673).

BRCA1 coldspot (exon 11 using historical exon numbering). Reclassification based on statistical prior probability

Ambry Genetics
Classification: Uncertain significance for Hereditary cancer-predisposing syndrome. Last evaluated: 2021-03-05. Review status: criteria provided, single submitter. Criteria: Ambry Variant Classification Scheme 2023. Collection method: clinical testing. Allele origin: germline.
Comment: The p.P674T variant (also known as c.2020C>A), located in coding exon 9 of the BRCA1 gene, results from a C to A substitution at nucleotide position 2020. The proline at codon 674 is replaced by threonine, an amino acid with highly similar properties. This amino acid position is poorly conserved in available vertebrate species. In addition, the in silico prediction for this alteration is inconclusive. Since supporting evidence is limited at this time, the clinical significance of this alteration remains unclear.